The following is an entry in ClinVar:

NM_000520.6(HEXA):c.3G>A (p.Met1Ile)

Gene: HEXA (hexosaminidase subunit alpha; minus strand). Cytogenetic location: 15q23.
Variant type: single nucleotide variant.
Coding change: c.3G>A on transcript NM_000520.6 (MANE Select); coding-DNA position 3, G replaced by A.
Protein change: p.Met1Ile; changes the start codon (methionine 1).
Molecular consequence: missense variant, initiator codon variant. On other transcripts: non-coding transcript variant (1).
Genome position (GRCh38, 1-based): chr15:72,375,970, C>T on the plus strand (G>A on the coding strand, the complement: HEXA is on the minus strand). VCF-style: chr15-72375970-C-T. GRCh37 (hg19) VCF-style: chr15-72668311-C-T.
Other names: c.3G>A, p.Met1Ile (NM_001318825.2); short protein forms M1I.
Identifiers: ClinVar variation 644889 (VCV000644889.9), dbSNP rs1595816410, ClinGen allele CA393070909.
Genomic context (GRCh38, chr15:72,375,970, plus strand): 5'-CGTCGCCCGTCCTGCGAACGCTGCCGCCAGCAGCAGCGAAAACCAAAGCCTGGAGCTTGT[C>T]ATGGCCCGCTGGTCTCCCCTCTCGGAGGGGGCTGGCCACGTGAGACCCTGGTCAGGTGAG-3'
Protein context (NP_000511.2, residues 1-11): [Met1Ile]TSSRLWFSLL

ClinVar aggregate classification (germline): Pathogenic (1 of 4 stars; one submission).

Conditions:
Tay-Sachs disease (TSD). Also called: GM2 gangliosidosis, type 1; Hexosaminidase alpha-subunit deficiency (variant B); Sphingolipidosis, Tay-Sachs; Hexosaminidase A Deficiency; HEXA Disorders; HEXA DEFICIENCY. Identifiers: Orphanet 845, MedGen C0039373, MONDO:0010100, OMIM 272800.

Allele frequency attached by ClinVar (database versions not stated): gnomAD exomes below 0.00001.

Submission:

Labcorp Genetics (formerly Invitae), Labcorp
Classification: Pathogenic for Tay-Sachs disease. Last evaluated: 2018-12-27. Review status: criteria provided, single submitter. Criteria: Invitae Variant Classification Sherloc (09022015). Collection method: clinical testing. Allele origin: germline.
Comment: For these reasons, this variant has been classified as Pathogenic. Disruption of the initiator codon (c.1A>G, c.1A>T, c.2T>C) has been reported in numerous individuals affected with Tay-Sach disease or GM2-gangliosidosis (PMID: 21796138, 15108204, 16088929, 8445615, 9153525, 1532289). This variant is not present in population databases (ExAC no frequency). This sequence change affects the initiator methionine of the HEXA mRNA. The next in-frame methionine is located at codon 193.

Literature cited by the submitters: PubMed 21796138; PubMed 15108204; PubMed 16088929; PubMed 8445615; PubMed 9153525; PubMed 1532289.